The following is an entry in ClinVar:

NM_001267550.2(TTN):c.86264A>C (p.Asp28755Ala)

Genes: TTN-AS1 (TTN antisense RNA 1; plus strand), TTN (titin; minus strand). Cytogenetic location: 2q31.2.
Variant type: single nucleotide variant.
Coding change: c.86264A>C on transcript NM_001267550.2 (MANE Select); coding-DNA position 86264, A replaced by C.
Protein change: p.Asp28755Ala; replaces aspartic acid 28755 with alanine.
Molecular consequence: missense variant.
Genome position (GRCh38, 1-based): chr2:178,559,868, T>G on the plus strand (A>C on the coding strand, the complement: TTN is on the minus strand). VCF-style: chr2-178559868-T-G. GRCh37 (hg19) VCF-style: chr2-179424595-T-G.
Other names: c.81341A>C, p.Asp27114Ala (NM_001256850.1); c.59069A>C, p.Asp19690Ala (NM_003319.4); c.78560A>C, p.Asp26187Ala (NM_133378.4); c.59444A>C, p.Asp19815Ala (NM_133432.3); c.59645A>C, p.Asp19882Ala (NM_133437.4); short protein forms D19690A, D19882A, D27114A, D19815A, D26187A, D28755A.
Identifiers: ClinVar variation 917800 (VCV000917800.1), dbSNP rs1702996133, ClinGen allele CA349545175.

ClinVar aggregate classification (germline): Uncertain significance (1 of 4 stars; one submission).

Allele frequency attached by ClinVar (database versions not stated): TOPMed 0.00001.
gnomAD v4.1: 2 of 1,612,484 alleles (0.00012%); highest among the groups gnomAD compares: Non-Finnish European, 0.00017%; no homozygotes.

Submission:

Women's Health and Genetics/Laboratory Corporation of America, LabCorp
Classification: Uncertain significance. Last evaluated: 2020-04-06. Review status: criteria provided, single submitter. Criteria: LabCorp Variant Classification Summary - May 2015. Collection method: clinical testing. Allele origin: germline.
Comment: Variant summary: TTN c.78560A>C (p.Asp26187Ala) results in a non-conservative amino acid change located in the A-band region of the encoded protein sequence. Three of five in-silico tools predict a benign effect of the variant on protein function. The variant was absent in 247910 control chromosomes. The available data on variant occurrences in the general population are insufficient to allow any conclusion about variant significance. To our knowledge, no occurrence of c.78560A>C in individuals affected with Cardiomyopathy and no experimental evidence demonstrating its impact on protein function have been reported. No clinical diagnostic laboratories have submitted clinical-significance assessments for this variant to ClinVar after 2014. Based on the evidence outlined above, the variant was classified as uncertain significance.